The following is an entry in ClinVar:

ClinVar aggregate classification (germline): Benign (1 of 4 stars; one submission).

Conditions:
Hyperornithinemia-hyperammonemia-homocitrullinuria syndrome (HHHS). Also called: HHH SYNDROME; Ornithine translocase deficiency. Identifiers: Orphanet 415, MedGen C0268540, MONDO:0009393, OMIM 238970.

Allele frequency attached by ClinVar (database versions not stated): gnomAD 0.01899 and 0.02422; TOPMed 0.02223; 1000 Genomes Project 30x 0.06683; 1000 Genomes Project 0.06949.
gnomAD v4.1: 3,677 of 152,274 alleles (2.4%); highest among the groups gnomAD compares: East Asian, 15%; 187 homozygotes.

Submission:

Illumina Laboratory Services, Illumina
Classification: Benign for Hyperornithinemia-hyperammonemia-homocitrullinuria syndrome. Last evaluated: 2018-01-13. Review status: criteria provided, single submitter. Criteria: ICSL Variant Classification Criteria 13 December 2019. Collection method: clinical testing. Allele origin: germline.
Comment: This variant was observed in the ICSL laboratory as part of a predisposition screen in an ostensibly healthy population. It had not been previously curated by ICSL or reported in the Human Gene Mutation Database (HGMD: prior to June 1st, 2018), and was therefore a candidate for classification through an automated scoring system. Utilizing variant allele frequency, disease prevalence and penetrance estimates, and inheritance mode, an automated score was calculated to assess if this variant is too frequent to cause the disease. Based on the score and internal cut-off values, a variant classified as benign is not then subjected to further curation. The score for this variant resulted in a classification of benign for this disease.

NM_014252.4(SLC25A15):c.*898C>T

Gene: SLC25A15 (solute carrier family 25 member 15; plus strand). Cytogenetic location: 13q14.11.
Variant type: single nucleotide variant.
Coding change: c.*898C>T on transcript NM_014252.4 (MANE Select); 898 bases downstream of the stop codon, C replaced by T.
Molecular consequence: 3 prime UTR variant.
Genome position (GRCh38, 1-based): chr13:40,810,565, C>T. VCF-style: chr13-40810565-C-T. GRCh37 (hg19) VCF-style: chr13-41384701-C-T.
Identifiers: ClinVar variation 312196 (VCV000312196.5), dbSNP rs12585190, ClinGen allele CA10643509.
Genomic context (GRCh38, chr13:40,810,565, plus strand): 5'-ACTAAAATATCCTTCTAGATTTGTAAGACAGTATACCTGCATACTGGTGTGGCTTCCACA[C>T]TTGAGTAAAAGCTTCAGAGTAGGTATCCTAGATTTCCCCAAGATGCTCTACTCTTAAAAT-3'